The following is an entry in ClinVar:

NM_004304.5(ALK):c.472C>T (p.Pro158Ser)

Gene: ALK (ALK receptor tyrosine kinase; minus strand). Cytogenetic location: 2p23.1.
Variant type: single nucleotide variant.
Coding change: c.472C>T on transcript NM_004304.5 (MANE Select); coding-DNA position 472, C replaced by T.
Protein change: p.Pro158Ser; replaces proline 158 with serine.
Molecular consequence: missense variant.
Genome position (GRCh38, 1-based): chr2:29,920,188, G>A on the plus strand (C>T on the coding strand, the complement: ALK is on the minus strand). VCF-style: chr2-29920188-G-A. GRCh37 (hg19) VCF-style: chr2-30143054-G-A.
Other names: short protein forms P158S.
Identifiers: ClinVar variation 664576 (VCV000664576.9), dbSNP rs536284304, ClinGen allele CA1594959.

ClinVar aggregate classification (germline): Uncertain significance. Review status: criteria provided, multiple submitters, no conflicts (2 of 4 stars). 2 submissions from 2 submitters: Uncertain significance (2). Last evaluated 2025-04-17.

Conditions:
Hereditary cancer-predisposing syndrome. Also called: Neoplastic Syndromes, Hereditary; Hereditary neoplastic syndrome; Tumor predisposition; Hereditary Cancer Syndrome. Identifiers: Orphanet 140162, MedGen C0027672, MeSH D009386, MONDO:0015356.
Neuroblastoma, susceptibility to, 3. Also called: ALK-Related Neuroblastic Tumor Susceptibility. Identifiers: Orphanet 635, MedGen C2751681, MONDO:0013083, OMIM 613014.

gnomAD v4.1: 13 of 1,613,516 alleles (0.00081%); highest among the groups gnomAD compares: Admixed American, 0.0033%; no homozygotes.

Submissions (2):

Labcorp Genetics (formerly Invitae), Labcorp
Classification: Uncertain significance for Neuroblastoma, susceptibility to, 3. Last evaluated: 2025-04-17. Review status: criteria provided, single submitter. Criteria: Invitae Variant Classification Sherloc (09022015). Collection method: clinical testing. Allele origin: germline.
Comment: This sequence change replaces proline, which is neutral and non-polar, with serine, which is neutral and polar, at codon 158 of the ALK protein (p.Pro158Ser). This variant is present in population databases (rs536284304, gnomAD 0.002%). This variant has not been reported in the literature in individuals affected with ALK-related conditions. ClinVar contains an entry for this variant (Variation ID: 664576). An algorithm developed to predict the effect of missense changes on protein structure and function (PolyPhen-2) suggests that this variant is likely to be disruptive. In summary, the available evidence is currently insufficient to determine the role of this variant in disease. Therefore, it has been classified as a Variant of Uncertain Significance.

Ambry Genetics
Classification: Uncertain significance for Hereditary cancer-predisposing syndrome. Last evaluated: 2025-01-23. Review status: criteria provided, single submitter. Criteria: Ambry Variant Classification Scheme 2023. Collection method: clinical testing. Allele origin: germline.
Comment: The p.P158S variant (also known as c.472C>T), located in coding exon 1 of the ALK gene, results from a C to T substitution at nucleotide position 472. The proline at codon 158 is replaced by serine, an amino acid with similar properties. This amino acid position is well conserved in available vertebrate species. In addition, this alteration is predicted to be tolerated by in silico analysis. Based on the available evidence, the clinical significance of this variant remains unclear.